The following is an entry in ClinVar:

ClinVar aggregate classification (germline): Uncertain significance. Review status: criteria provided, multiple submitters, no conflicts (2 of 4 stars). 2 submissions from 2 submitters: Uncertain significance (2). Last evaluated 2024-09-28.

Conditions:
RASopathy. Also called: Noonan spectrum disorder; rasopathies. Identifiers: Orphanet 536391, MedGen C5555857, MONDO:0021060.

gnomAD v4.1: 1 of 1,614,172 alleles (0.000062%); highest among the groups gnomAD compares: African/African-American, 0.0013%; no homozygotes.

Submissions (2):

GeneDx
Classification: Uncertain significance. Last evaluated: 2024-09-28. Review status: criteria provided, single submitter. Criteria: GeneDx Variant Classification Process June 2021. Collection method: clinical testing. Allele origin: germline. Affected: yes.
Comment: Nonsense variant predicted to result in protein truncation or nonsense mediated decay in a gene or region of a gene for which loss of function is not a well-established mechanism of disease; Has not been previously published as pathogenic or benign to our knowledge

Labcorp Genetics (formerly Invitae), Labcorp
Classification: Uncertain significance for RASopathy. Last evaluated: 2024-03-29. Review status: criteria provided, single submitter. Criteria: Invitae Variant Classification Sherloc (09022015). Collection method: clinical testing. Allele origin: germline.
Comment: This sequence change creates a premature translational stop signal (p.Arg788*) in the CBL gene. It is expected to result in an absent or disrupted protein product. However, the current clinical and genetic evidence is not sufficient to establish whether loss-of-function variants in CBL cause disease. This variant is present in population databases (rs368326846, gnomAD 0.0009%). This variant has not been reported in the literature in individuals affected with CBL-related conditions. In summary, the available evidence is currently insufficient to determine the role of this variant in disease. Therefore, it has been classified as a Variant of Uncertain Significance.

NM_005188.4(CBL):c.2362C>T (p.Arg788Ter)

Gene: CBL (Cbl proto-oncogene; plus strand). Cytogenetic location: 11q23.3.
Variant type: single nucleotide variant.
Coding change: c.2362C>T on transcript NM_005188.4 (MANE Select); coding-DNA position 2362, C replaced by T.
Protein change: p.Arg788Ter; replaces arginine 788 with a stop codon.
Molecular consequence: nonsense.
Genome position (GRCh38, 1-based): chr11:119,298,468, C>T. VCF-style: chr11-119298468-C-T. GRCh37 (hg19) VCF-style: chr11-119169178-C-T.
Other names: c.2362C>T (NM_005188.2); short protein forms R788*.
Identifiers: ClinVar variation 3687380 (VCV003687380.3).